The following is an entry in ClinVar:

NM_001318852.2(MAPK8IP3):c.1861T>C (p.Ser621Pro)

Gene: MAPK8IP3 (mitogen-activated protein kinase 8 interacting protein 3; plus strand). Cytogenetic location: 16p13.3.
Variant type: single nucleotide variant.
Coding change: c.1861T>C on transcript NM_001318852.2 (MANE Select); coding-DNA position 1861, T replaced by C.
Protein change: p.Ser621Pro; replaces serine 621 with proline.
Molecular consequence: missense variant.
Genome position (GRCh38, 1-based): chr16:1,762,969, T>C. VCF-style: chr16-1762969-T-C. GRCh37 (hg19) VCF-style: chr16-1812970-T-C.
Other names: c.1840T>C, p.Ser614Pro (NM_001040439.2); c.1858T>C, p.Ser620Pro (NM_015133.5); short protein forms S614P, S620P, S621P.
Identifiers: ClinVar variation 3343414 (VCV003343414.1).
Genomic context (GRCh38, chr16:1,762,969, plus strand): 5'-TACAAGTCACCCACCACTGCCGGCTTCAGCCAGCGCCGCAACCATGCCATGTGCCCGATC[T>C]CGGCAGGCAGCCGGCCCCTGGAATTCTTCCCTGACGAGTGAGTGTCCCGCAGCCCCCACT-3'
Protein context (NP_001305781.1, residues 611-631): QRRNHAMCPI[Ser621Pro]AGSRPLEFFP

ClinVar aggregate classification (germline): Uncertain significance (1 of 4 stars; one submission).

gnomAD v4.1: 1 of 1,612,854 alleles (0.000062%); highest among the groups gnomAD compares: East Asian, 0.0022%; no homozygotes.

Submission:

GeneDx
Classification: Uncertain significance. Last evaluated: 2023-05-10. Review status: criteria provided, single submitter. Criteria: GeneDx Variant Classification Process June 2021. Collection method: clinical testing. Allele origin: germline. Affected: yes.
Comment: Not observed at significant frequency in large population cohorts (gnomAD); In silico analysis supports that this missense variant does not alter protein structure/function; Has not been previously published as pathogenic or benign to our knowledge